The following is an entry in ClinVar:

NM_000719.7(CACNA1C):c.2335G>C (p.Ala779Pro)

Gene: CACNA1C (calcium voltage-gated channel subunit alpha1 C; plus strand). Cytogenetic location: 12p13.33.
Variant type: single nucleotide variant.
Coding change: c.2335G>C on transcript NM_000719.7 (MANE Select); coding-DNA position 2335, G replaced by C.
Protein change: p.Ala779Pro; replaces alanine 779 with proline.
Molecular consequence: missense variant.
Genome position (GRCh38, 1-based): chr12:2,584,613, G>C. VCF-style: chr12-2584613-G-C. GRCh37 (hg19) VCF-style: chr12-2693779-G-C.
Other names: c.2335G>C, p.Ala779Pro (NM_001129835.2, NM_001129836.2, NM_001129837.2 and 18 more transcripts); c.2326G>C, p.Ala776Pro (NM_001129844.2); short protein forms A776P, A779P.
Identifiers: ClinVar variation 3718474 (VCV003718474.2).

ClinVar aggregate classification (germline): Uncertain significance (1 of 4 stars; one submission).

Conditions:
Long QT syndrome (LQTS). Identifiers: MedGen C0023976, MeSH D008133, MONDO:0002442. Disease mechanism: loss of function. Inheritance: Various modes of inheritance.

Submission:

Labcorp Genetics (formerly Invitae), Labcorp
Classification: Uncertain significance for Long QT syndrome. Last evaluated: 2024-12-17. Review status: criteria provided, single submitter. Criteria: Invitae Variant Classification Sherloc (09022015). Collection method: clinical testing. Allele origin: germline.
Comment: This sequence change replaces alanine, which is neutral and non-polar, with proline, which is neutral and non-polar, at codon 779 of the CACNA1C protein (p.Ala779Pro). This variant is not present in population databases (gnomAD no frequency). This variant has not been reported in the literature in individuals affected with CACNA1C-related conditions. Invitae Evidence Modeling of protein sequence and biophysical properties (such as structural, functional, and spatial information, amino acid conservation, physicochemical variation, residue mobility, and thermodynamic stability) indicates that this missense variant is not expected to disrupt CACNA1C protein function with a negative predictive value of 95%. In summary, the available evidence is currently insufficient to determine the role of this variant in disease. Therefore, it has been classified as a Variant of Uncertain Significance.